The following is an entry in ClinVar:

ClinVar aggregate classification (germline): Uncertain significance (1 of 4 stars; one submission).

Conditions:
Autoimmune lymphoproliferative syndrome type 2B. Also called: AUTOIMMUNE LYMPHOPROLIFERATIVE SYNDROME, TYPE IIB. Identifiers: Orphanet 275517, MedGen C1846545, MONDO:0011804, OMIM 607271.

Allele frequency attached by ClinVar (database versions not stated): gnomAD exomes below 0.00001.
gnomAD v4.1: 1 of 1,614,146 alleles (0.000062%); highest among the groups gnomAD compares: Non-Finnish European, 0.000085%; no homozygotes.

Submission:

Labcorp Genetics (formerly Invitae), Labcorp
Classification: Uncertain significance for Autoimmune lymphoproliferative syndrome type 2B. Last evaluated: 2024-11-06. Review status: criteria provided, single submitter. Criteria: Invitae Variant Classification Sherloc (09022015). Collection method: clinical testing. Allele origin: germline.
Comment: This sequence change replaces arginine, which is basic and polar, with lysine, which is basic and polar, at codon 52 of the CASP8 protein (p.Arg52Lys). This variant is not present in population databases (gnomAD no frequency). This variant has not been reported in the literature in individuals affected with CASP8-related conditions. ClinVar contains an entry for this variant (Variation ID: 1719870). Invitae Evidence Modeling of protein sequence and biophysical properties (such as structural, functional, and spatial information, amino acid conservation, physicochemical variation, residue mobility, and thermodynamic stability) indicates that this missense variant is not expected to disrupt CASP8 protein function with a negative predictive value of 80%. In summary, the available evidence is currently insufficient to determine the role of this variant in disease. Therefore, it has been classified as a Variant of Uncertain Significance.

NM_001372051.1(CASP8):c.155G>A (p.Arg52Lys)

Gene: CASP8 (caspase 8; plus strand). Cytogenetic location: 2q33.1.
Variant type: single nucleotide variant.
Coding change: c.155G>A on transcript NM_001372051.1 (MANE Select); coding-DNA position 155, G replaced by A.
Protein change: p.Arg52Lys; replaces arginine 52 with lysine.
Molecular consequence: missense variant. On other transcripts: non-coding transcript variant (22), 5 prime UTR variant (9), intron variant (3).
Genome position (GRCh38, 1-based): chr2:201,266,641, G>A. VCF-style: chr2-201266641-G-A. GRCh37 (hg19) VCF-style: chr2-202131364-G-A.
Other names: c.155G>A, p.Arg52Lys (NM_033356.4, NM_001080124.2, NM_001228.5 and 21 more transcripts); c.332G>A, p.Arg111Lys (NM_001080125.2, NM_001400642.1, NM_001400665.1); c.-378G>A (NM_001400671.1, NM_001400673.1, NM_001400676.1 and 4 more transcripts); c.-559G>A (NM_001400674.1); c.-457G>A (NM_001400680.1); c.-4-4875G>A (NM_001400669.1); c.-227-4875G>A (NM_001400672.1, NM_001400675.1); short protein forms R111K, R52K.
Identifiers: ClinVar variation 1719870 (VCV001719870.6), dbSNP rs2469935835, ClinGen allele CA350282557.